The following is an entry in ClinVar:

ClinVar aggregate classification (germline): Uncertain significance (1 of 4 stars; one submission).

gnomAD v4.1: 5 of 1,607,764 alleles (0.00031%); highest among the groups gnomAD compares: South Asian, 0.0055%; no homozygotes.

Submission:

Labcorp Genetics (formerly Invitae), Labcorp
Classification: Uncertain significance. Last evaluated: 2024-05-28. Review status: criteria provided, single submitter. Criteria: Invitae Variant Classification Sherloc (09022015). Collection method: clinical testing. Allele origin: germline.
Comment: This sequence change replaces lysine, which is basic and polar, with arginine, which is basic and polar, at codon 238 of the OPA1 protein (p.Lys238Arg). This variant is present in population databases (no rsID available, gnomAD 0.003%). This variant has not been reported in the literature in individuals affected with OPA1-related conditions. Advanced modeling of protein sequence and biophysical properties (such as structural, functional, and spatial information, amino acid conservation, physicochemical variation, residue mobility, and thermodynamic stability) performed at Invitae indicates that this missense variant is not expected to disrupt OPA1 protein function with a negative predictive value of 80%. In summary, the available evidence is currently insufficient to determine the role of this variant in disease. Therefore, it has been classified as a Variant of Uncertain Significance.

NM_130837.3(OPA1):c.878A>G (p.Lys293Arg)

Gene: OPA1 (OPA1 mitochondrial dynamin like GTPase; plus strand). Cytogenetic location: 3q29.
Variant type: single nucleotide variant.
Coding change: c.878A>G on transcript NM_130837.3 (MANE Select); coding-DNA position 878, A replaced by G.
Protein change: p.Lys293Arg; replaces lysine 293 with arginine.
Molecular consequence: missense variant.
Genome position (GRCh38, 1-based): chr3:193,635,452, A>G. VCF-style: chr3-193635452-A-G. GRCh37 (hg19) VCF-style: chr3-193353241-A-G.
Other names: c.344A>G, p.Lys115Arg (NM_001354663.2); c.341A>G, p.Lys114Arg (NM_001354664.2); c.713A>G, p.Lys238Arg (NM_015560.3); c.605A>G, p.Lys202Arg (NM_130831.3); c.659A>G, p.Lys220Arg (NM_130832.3); c.716A>G, p.Lys239Arg (NM_130833.3); c.767A>G, p.Lys256Arg (NM_130834.3); c.770A>G, p.Lys257Arg (NM_130835.3); and 1 more; short protein forms K115R, K275R, K293R, K114R, K202R, K220R, K238R, K239R.
Identifiers: ClinVar variation 3677226 (VCV003677226.2).